The following is an entry in ClinVar:

ClinVar aggregate classification (germline): Uncertain significance. Review status: criteria provided, multiple submitters, no conflicts (2 of 4 stars). 2 submissions from 2 submitters: Uncertain significance (2). Last evaluated 2026-01-07.

Conditions:
Progressive encephalopathy with leukodystrophy due to DECR deficiency. Identifiers: Orphanet 431361, MedGen C1857252, MONDO:0014464, OMIM 616034.

Allele frequency attached by ClinVar (database versions not stated): ESP Exome Variant Server 0.00008; gnomAD exomes 0.00009 and 0.00012; ExAC 0.00010; gnomAD 0.00016 and 0.00017.
gnomAD v4.1: 160 of 1,613,354 alleles (0.0099%); highest among the groups gnomAD compares: Non-Finnish European, 0.0098%; no homozygotes.

Submissions (2):

Labcorp Genetics (formerly Invitae), Labcorp
Classification: Uncertain significance for Progressive encephalopathy with leukodystrophy due to DECR deficiency. Last evaluated: 2026-01-07. Review status: criteria provided, single submitter. Criteria: Invitae Variant Classification Sherloc (09022015). Collection method: clinical testing. Allele origin: germline.
Comment: This sequence change replaces isoleucine, which is neutral and non-polar, with threonine, which is neutral and polar, at codon 280 of the NADK2 protein (p.Ile280Thr). This variant is present in population databases (rs139024617, gnomAD 0.06%), and has an allele count higher than expected for a pathogenic variant. This variant has not been reported in the literature in individuals affected with NADK2-related conditions. ClinVar contains an entry for this variant (Variation ID: 1516023). Invitae Evidence Modeling of protein sequence and biophysical properties (such as structural, functional, and spatial information, amino acid conservation, physicochemical variation, residue mobility, and thermodynamic stability) indicates that this missense variant is expected to disrupt NADK2 protein function with a positive predictive value of 80%. In summary, the available evidence is currently insufficient to determine the role of this variant in disease. Therefore, it has been classified as a Variant of Uncertain Significance.

GeneDx
Classification: Uncertain significance. Last evaluated: 2024-12-12. Review status: criteria provided, single submitter. Criteria: GeneDx Variant Classification Process June 2021. Collection method: clinical testing. Allele origin: germline. Affected: yes.
Comment: In silico analysis supports that this missense variant has a deleterious effect on protein structure/function; Has not been previously published as pathogenic or benign to our knowledge

NM_001085411.3(NADK2):c.839T>C (p.Ile280Thr)

Gene: NADK2 (NAD kinase 2, mitochondrial; minus strand). Cytogenetic location: 5p13.2.
Variant type: single nucleotide variant.
Coding change: c.839T>C on transcript NM_001085411.3 (MANE Select); coding-DNA position 839, T replaced by C.
Protein change: p.Ile280Thr; replaces isoleucine 280 with threonine.
Molecular consequence: missense variant.
Genome position (GRCh38, 1-based): chr5:36,211,865, A>G on the plus strand (T>C on the coding strand, the complement: NADK2 is on the minus strand). VCF-style: chr5-36211865-A-G. GRCh37 (hg19) VCF-style: chr5-36211967-A-G.
Other names: c.350T>C, p.Ile117Thr (NM_001287340.2, NM_001287341.2, NM_153013.5); c.839T>C (NM_001085411.2); short protein forms I117T, I280T.
Identifiers: ClinVar variation 1516023 (VCV001516023.7), dbSNP rs139024617, ClinGen allele CA3234596.
Genomic context (GRCh38, chr5:36,211,865, plus strand): 5'-CATTAAATTCCATGCTCAAGATCACAGGTTTAAAAGTACCTGGATGACAGACTCTCCCCA[A>G]TGAAGACTTCATTTAGTGCTCTCACTGGCAGAAGTTGGGGTCCTGAAGCCTCAGACCCTG-3'
Protein context (NP_001078880.1, residues 270-290): LPVRALNEVF[Ile280Thr]GESLSSRASY